The following is an entry in ClinVar:

NC_012920.1:m.3991A>G

Gene: MT-ND1 (mitochondrially encoded NADH dehydrogenase 1; plus strand).
Variant type: single nucleotide variant.
Genome position: chrM-3991-A-G.
Identifiers: ClinVar variation 618726 (VCV000618726.8), dbSNP rs1569483910, ClinGen allele CA414773957.

ClinVar aggregate classification (germline): Uncertain significance (1 of 4 stars; one submission).

Submission:

ARUP Laboratories, Molecular Genetics and Genomics, ARUP Laboratories
Classification: Uncertain significance. Last evaluated: 2018-02-22. Review status: criteria provided, single submitter. Criteria: ARUP Molecular Germline Variant Investigation Process. Collection method: clinical testing. Allele origin: germline.
Comment: The m.3991A>G variant affects the MT-ND1 gene, which encodes a subunit of the mitochondrial complex I. Although this variant is rare in the general population (identified in one individual in MITOMAP), it has not been previously associated with a mitochondrial disorder and it affects a weakly conserved amino acid (Alamut software v2.10.0). Therefore, due to limited information, the clinical significance of the m.3991A>G variant is uncertain.